The following is an entry in ClinVar:

ClinVar aggregate classification (germline): Uncertain significance (1 of 4 stars; one submission).

Conditions:
Neurofibromatosis, type 1 (NF1). Also called: Peripheral type neurofibromatosis; Neurofibromatosis, type I; VON RECKLINGHAUSEN DISEASE; NEUROFIBROMATOSIS, TYPE I, SOMATIC. Identifiers: Orphanet 636, MedGen C0027831, MONDO:0018975, OMIM 162200. Disease mechanism: loss of function.

Submission:

Labcorp Genetics (formerly Invitae), Labcorp
Classification: Uncertain significance for Neurofibromatosis, type 1. Last evaluated: 2020-07-12. Review status: criteria provided, single submitter. Criteria: Invitae Variant Classification Sherloc (09022015). Collection method: clinical testing. Allele origin: germline.
Comment: This sequence change replaces arginine with lysine at codon 2549 of the NF1 protein (p.Arg2549Lys). The arginine residue is moderately conserved and there is a small physicochemical difference between arginine and lysine. This variant is not present in population databases (ExAC no frequency). This variant has not been reported in the literature in individuals with NF1-related conditions. Algorithms developed to predict the effect of missense changes on protein structure and function are either unavailable or do not agree on the potential impact of this missense change (SIFT: "Tolerated"; PolyPhen-2: "Probably Damaging"; Align-GVGD: "Class C0"). In summary, the available evidence is currently insufficient to determine the role of this variant in disease. Therefore, it has been classified as a Variant of Uncertain Significance.

NM_001042492.3(NF1):c.7709G>A (p.Arg2570Lys)

Gene: NF1 (neurofibromin 1; plus strand). Cytogenetic location: 17q11.2.
Variant type: single nucleotide variant.
Coding change: c.7709G>A on transcript NM_001042492.3 (MANE Select); coding-DNA position 7709, G replaced by A.
Protein change: p.Arg2570Lys; replaces arginine 2570 with lysine.
Molecular consequence: missense variant.
Genome position (GRCh38, 1-based): chr17:31,356,553, G>A. VCF-style: chr17-31356553-G-A. GRCh37 (hg19) VCF-style: chr17-29683571-G-A.
Other names: c.7646G>A, p.Arg2549Lys (NM_000267.4); short protein forms R2549K, R2570K.
Identifiers: ClinVar variation 1055053 (VCV001055053.5), dbSNP rs2151581311, ClinGen allele CA399018176.
Genomic context (GRCh38, chr17:31,356,553, plus strand): 5'-ACACAAAGGCTCCTAAAAGGCAAGAAATGGAATCAGGGATCACAACACCCCCCAAAATGA[G>A]GAGAGTAGCAGAAACTGATTATGAAATGGGTGAGAAACAAAGTATTGATCTAGATCATTG-3'
Protein context (NP_001035957.1, residues 2560-2580): ESGITTPPKM[Arg2570Lys]RVAETDYEME